The following is an entry in ClinVar:

ClinVar aggregate classification (germline): Pathogenic. Review status: criteria provided, multiple submitters, no conflicts (2 of 4 stars). 2 submissions from 2 submitters: Pathogenic (2). Last evaluated 2019-07-01.

Conditions:
DICER1-related tumor predisposition. Also called: DICER1 syndrome; DICER1-related pleuropulmonary blastoma cancer predisposition syndrome. Identifiers: Orphanet 284343, MedGen C3839822, MONDO:0100216.

Submissions (2):

Foulkes Cancer Genetics LDI, Lady Davis Institute for Medical Research
Classification: Pathogenic for Pleuropulmonary blastoma. Last evaluated: 2019-07-01. Review status: criteria provided, single submitter. Criteria: ACMG Guidelines, 2015. Collection method: curation. Allele origin: germline. Affected: yes. Observed: 1 variant allele.
Comment: ACMG criteria met: PVS1, PM2, PP4

International Pleuropulmonary Blastoma Registry, Children's Hospitals and Clinics of Minnesota
Classification: Pathogenic for Pleuropulmonary blastoma. Last evaluated: 2014-11-10. Review status: criteria provided, single submitter. Criteria: Hill et al. (Science. 2009). Collection method: clinical testing. Allele origin: germline. Affected: yes. Study: PPB-DICER1 Genetic study.

Literature cited by the submitters: PubMed 26925222 (cited by Foulkes Cancer Genetics LDI, Lady Davis Institute for Medical Research and International Pleuropulmonary Blastoma Registry, Children's Hospitals and Clinics of Minnesota).

NM_177438.3(DICER1):c.5194dup (p.Leu1732fs)

Gene: DICER1 (dicer 1, ribonuclease III; minus strand). Cytogenetic location: 14q32.13.
Variant type: Duplication.
Coding change: c.5194dup on transcript NM_177438.3 (MANE Select); coding-DNA position 5194, one base duplicated (C; older notation c.5194dupC).
Protein change: p.Leu1732fs; shifts the reading frame from leucine 1732.
Molecular consequence: frameshift variant.
Genome position (GRCh38, 1-based): chr14:95,094,058, G duplicated on the plus strand (C on the coding strand, the reverse complement: DICER1 is on the minus strand); the first of 2 consecutive G bases (chr14:95,094,058-95,094,059); duplicating either gives the same sequence. VCF-style (leftmost placement, unchanged base first): chr14-95094057-A-AG. GRCh37 (hg19) VCF-style: chr14-95560394-A-AG.
Other names: c.5194dupC (NM_177438.2); c.5194dup, p.Leu1732fs (NM_001195573.1, NM_001271282.3, NM_001291628.2 and 1 more transcripts); short protein forms L1732fs.
Identifiers: ClinVar variation 254346 (VCV000254346.4), dbSNP rs886037725, ClinGen allele CA10586405.
Genomic context (GRCh38, chr14:95,094,057, plus strand): 5'-TACTTTACAGCCAGCGATGCAAAGATGGTGTTGTTGACCAGGGCAGACCGCAGGTCTGTC[A>AG]GGACCCCCGGGGAGTGCTGCCGCGGGTCTTCATAAAGGTGCTTGGTTATGAGGTAGTCCA-3'